The following is an entry in ClinVar:

NM_000255.4(MMUT):c.91C>T (p.Arg31Ter)

Gene: MMUT (methylmalonyl-CoA mutase; minus strand). Cytogenetic location: 6p12.3.
Variant type: single nucleotide variant.
Coding change: c.91C>T on transcript NM_000255.4 (MANE Select); coding-DNA position 91, C replaced by T.
Protein change: p.Arg31Ter; replaces arginine 31 with a stop codon.
Molecular consequence: nonsense.
Genome position (GRCh38, 1-based): chr6:49,459,376, G>A on the plus strand (C>T on the coding strand, the complement: MMUT is on the minus strand). VCF-style: chr6-49459376-G-A. GRCh37 (hg19) VCF-style: chr6-49427089-G-A.
Other names: short protein forms R31*.
Identifiers: ClinVar variation 92688 (VCV000092688.30), dbSNP rs398123278, ClinGen allele CA249743.

ClinVar aggregate classification (germline): Pathogenic. Review status: criteria provided, multiple submitters, no conflicts (2 of 4 stars). 13 submissions from 13 submitters: Pathogenic (11). 2 of the submissions do not count toward it. Last evaluated 2026-02-13.

Conditions:
MUT-related disorders.
Methylmalonic acidemia (MMA). Also called: Isolated Methylmalonic Acidemia. Identifiers: MedGen C0268583, MeSH C537358, MONDO:0002012, HP:0002912.
Methylmalonic aciduria due to methylmalonyl-CoA mutase deficiency (MAMM). Also called: Methylmalonic aciduria, mut type. Identifiers: Orphanet 27, MedGen C1855114, MONDO:0009612, OMIM 251000.
Methylmalonic aciduria due to complete methylmalonyl-CoA mutase deficiency.

Allele frequency attached by ClinVar (database versions not stated): ExAC 0.00002; gnomAD exomes 0.00002; TOPMed 0.00002; gnomAD 0.00003.
gnomAD v4.1: 21 of 1,613,628 alleles (0.0013%); highest among the groups gnomAD compares: African/African-American, 0.0053%; no homozygotes.

Submissions (13):

OLLIN Analises Genomicas, OLLIN
Classification: Pathogenic for Methylmalonic aciduria due to methylmalonyl-CoA mutase deficiency. Last evaluated: 2026-02-13. Review status: criteria provided, single submitter. Criteria: ACMG Guidelines 2015 PMID 25741868. Collection method: clinical testing. Allele origin: germline. Observed: 1 variant allele.
Comment: PVS1, PM2_P, PM3

Labcorp Genetics (formerly Invitae), Labcorp
Classification: Pathogenic. Last evaluated: 2026-01-11. Review status: criteria provided, single submitter. Criteria: Invitae Variant Classification Sherloc (09022015). Collection method: clinical testing. Allele origin: germline.
Comment: This sequence change creates a premature translational stop signal (p.Arg31*) in the MUT gene. It is expected to result in an absent or disrupted protein product. Loss-of-function variants in MUT are known to be pathogenic (PMID: 15781192). This variant is present in population databases (rs398123278, gnomAD 0.008%). This premature translational stop signal has been observed in individual(s) with methylmalonic acidemia due to methylmalonyl-CoA mutase deficiency (PMID: 16281286, 16435223, 17410422). ClinVar contains an entry for this variant (Variation ID: 92688). For these reasons, this variant has been classified as Pathogenic.

Natera, Inc.
Classification: Pathogenic for Methylmalonic aciduria due to complete methylmalonyl-CoA mutase deficiency. Last evaluated: 2026-01-07. Review status: criteria provided, single submitter. Criteria: Natera Variant Classification Schema (03/2026). Collection method: clinical testing. Allele origin: germline.
Comment: The c.91C>T variant in MMUT is a nonsense variant predicted to introduce a stop codon at amino acid 31. This variant is expected to result in nonsense mediated decay, truncation, or a dysfunctional protein product. This variant is rare in the general population with a frequency below the threshold expected for the associated phenotype(s). This variant has been observed in one or more individuals affected with the associated recessive disease, as either homozygous or compound heterozygous with a second variant (PMID: 16281286). Given the available evidence, this variant is classified as Pathogenic.

Molecular Genetics, Royal Melbourne Hospital
Classification: Pathogenic for Methylmalonic aciduria due to methylmalonyl-CoA mutase deficiency. Last evaluated: 2024-07-04. Review status: criteria provided, single submitter. Criteria: ACMG Guidelines, 2015. Collection method: clinical testing. Allele origin: germline. Inheritance: Autosomal recessive inheritance. Affected: yes.
Comment: This sequence change in MMUT is a nonsense variant predicted to cause a premature stop codon, p.(Arg31*), in biologically relevant exon 1/13 located within a region predicted to escape nonsense-mediated decay (PMID: 27618451). It will likely lead to truncation of a functionally important region in a gene where loss of function is an established disease mechanism (PMID: 20301409). The highest population minor allele frequency in the population database gnomAD v4.1 is 0.005% (4/74,816 alleles) in the African/African American population, consistent with recessive disease. This variant has been detected in multiple individuals with methylmalonic aciduria in the homozygous state and compound heterozygous with a second pathogenic variant. Individuals with this variant demonstrate mainly complete but also partial methylmalonyl-CoA mutase deficiency (mut0 and mut- enzymatic subtypes; PMID: 16281286, 27167370, 33820958, 34668645). Based on the classification scheme RMH Modified ACMG/AMP Guidelines v1.6.1, this variant is classified as PATHOGENIC. Following criteria are met: PVS1_Strong, PM3_VeryStrong, PM2_Supporting.

GeneDx
Classification: Pathogenic. Last evaluated: 2023-09-19. Review status: criteria provided, single submitter. Criteria: GeneDx Variant Classification Process June 2021. Collection method: clinical testing. Allele origin: germline. Affected: yes.
Comment: Nonsense variant predicted to result in protein truncation or nonsense mediated decay in a gene for which loss-of-function is a known mechanism of disease; Not observed at significant frequency in large population cohorts (gnomAD); This variant is associated with the following publications: (PMID: 34930662, 35361390, 16281286, 25525159, 25959030, 16435223, 17410422, 31998365, 32754920, 33820958, 34668645, 27167370, 31622506, 36186952)

Fulgent Genetics
Classification: Pathogenic for Methylmalonic aciduria due to methylmalonyl-CoA mutase deficiency. Last evaluated: 2022-01-17. Review status: criteria provided, single submitter. Criteria: ACMG Guidelines, 2015. Collection method: clinical testing. Allele origin: unknown.

Blueprint Genetics
Classification: Pathogenic for MUT-related disorders. Last evaluated: 2021-01-19. Review status: criteria provided, single submitter. Criteria: ACMG Guidelines, 2015. Collection method: clinical testing. Allele origin: germline. Affected: yes. Observed: 3 variant alleles.

Laboratorio de Genetica e Diagnostico Molecular, Hospital Israelita Albert Einstein
Classification: Pathogenic. Last evaluated: 2019-05-15. Review status: criteria provided, single submitter. Criteria: ACMG Guidelines, 2015. Collection method: clinical testing. Allele origin: germline. Affected: yes.
Comment: ACMG classification criteria: PVS1, PM2, PP5

HudsonAlpha Institute for Biotechnology
Classification: Pathogenic for Methylmalonic aciduria due to methylmalonyl-CoA mutase deficiency. Last evaluated: 2019-02-07. Review status: criteria provided, single submitter. Criteria: ACMG Guidelines, 2015. Collection method: research. Allele origin: paternal. Observed: 1 variant allele. Study: CSER-SouthSeq.
Comment: ACMG codes: PVS1, PS3, PM2, PP5

Women's Health and Genetics/Laboratory Corporation of America, LabCorp
Classification: Pathogenic for Methylmalonic acidemia. Last evaluated: 2018-05-07. Review status: criteria provided, single submitter. Criteria: LabCorp Variant Classification Summary - May 2015. Collection method: clinical testing. Allele origin: germline.
Comment: Variant summary: MUT c.91C>T (p.Arg31X) results in a premature termination codon, predicted to cause a truncation of the encoded protein or absence of the protein due to nonsense mediated decay, which are commonly known mechanisms for disease. Truncations downstream of this position have been classified as pathogenic by our laboratory (e.g., p.Gly284X and p.Arg467X). The variant allele was found at a frequency of 1.8e-05 in 276662 control chromosomes. This frequency is not higher than expected for a pathogenic variant in MUT causing Methylmalonic Acidemia (1.8e-05 vs 0.0024), allowing no conclusion about variant significance. c.91C>T has been reported in the literature in multiple individuals affected with Methylmalonic Acidemia as both a homozygous and compound heterozygous allele. These data indicate that the variant is very likely to be associated with disease. One publication reports experimental evidence showing a significant reduction in the propionate incorporation compared to controls (Worgan_2006), suggesting that the methylmalonyl-CoA mutase enzyme is impaired or absent. Two clinical diagnostic laboratories have submitted clinical-significance assessments for this variant to ClinVar after 2014 and both classified the variant as pathogenic. Based on the evidence outlined above, the variant was classified as pathogenic.

Eurofins Ntd Llc (ga)
Classification: Pathogenic. Last evaluated: 2013-02-07. Review status: criteria provided, single submitter. Criteria: EGL Classification Definitions. Collection method: clinical testing. Allele origin: germline. Observed: 1 variant allele, 1 heterozygote.

Counsyl
Classification: Pathogenic for Methylmalonic aciduria due to methylmalonyl-CoA mutase deficiency. Last evaluated: 2017-11-02. Review status: no assertion criteria provided. Collection method: clinical testing. Allele origin: unknown. Not counted in ClinVar's aggregate classification.

GeneReviews
No classification provided. Condition: Methylmalonic aciduria due to methylmalonyl-CoA mutase deficiency. Review status: no classification provided. Collection method: literature only. Allele origin: germline. Affected: yes. Not counted in ClinVar's aggregate classification.
Comment: mut(0) enzymatic subtype when homozygous

Literature cited by the submitters: PubMed 15781192 (cited by Labcorp Genetics (formerly Invitae), Labcorp); PubMed 16281286 (cited by 5 submitters); PubMed 16435223 (cited by Labcorp Genetics (formerly Invitae), Labcorp); PubMed 17410422 (cited by Labcorp Genetics (formerly Invitae), Labcorp); PubMed 20301409 (cited by Molecular Genetics, Royal Melbourne Hospital); PubMed 27167370 (cited by Molecular Genetics, Royal Melbourne Hospital and Counsyl); PubMed 27618451 (cited by Molecular Genetics, Royal Melbourne Hospital); PubMed 33820958 (cited by Molecular Genetics, Royal Melbourne Hospital); PubMed 34668645 (cited by Molecular Genetics, Royal Melbourne Hospital); PubMed 26790480 (cited by Women's Health and Genetics/Laboratory Corporation of America, LabCorp); NCBI Bookshelf NBK1231 (cited by GeneReviews).